The following is an entry in ClinVar:

ClinVar aggregate classification (germline): Likely benign (1 of 4 stars; one submission).

Allele frequency attached by ClinVar (database versions not stated): gnomAD exomes below 0.00001.
gnomAD v4.1: 1 of 1,613,980 alleles (0.000062%); highest among the groups gnomAD compares: Non-Finnish European, 0.000085%; no homozygotes.

Submission:

Laboratory for Molecular Medicine, Mass General Brigham Personalized Medicine
Classification: Likely benign. Last evaluated: 2022-03-23. Review status: criteria provided, single submitter. Criteria: ACMG Guidelines, 2015. Collection method: clinical testing. Allele origin: germline.
Comment: The p.Glu5242Lys variant in ADGRV1 has not been previously reported in individuals with hearing loss and was absent from large population studies. Computational prediction tools and conservation analyses suggest that this variant may not impact the protein, and this variant is present in 3 mammals. In summary, this variant is likely benign. ACMG/AMP Criteria applied: PM2_Supporting, BP4_Strong.

NM_032119.4(ADGRV1):c.15724G>A (p.Glu5242Lys)

Gene: ADGRV1 (adhesion G protein-coupled receptor V1; plus strand). Cytogenetic location: 5q14.3.
Variant type: single nucleotide variant.
Coding change: c.15724G>A on transcript NM_032119.4 (MANE Select); coding-DNA position 15724, G replaced by A.
Protein change: p.Glu5242Lys; replaces glutamic acid 5242 with lysine.
Molecular consequence: missense variant. On other transcripts: non-coding transcript variant (1).
Genome position (GRCh38, 1-based): chr5:90,810,984, G>A. VCF-style: chr5-90810984-G-A. GRCh37 (hg19) VCF-style: chr5-90106801-G-A.
Other names: short protein forms E5242K.
Identifiers: ClinVar variation 3075843 (VCV003075843.1), dbSNP rs749721432, ClinGen allele CA122822078.